The following is an entry in ClinVar:

ClinVar aggregate classification (germline): Uncertain significance (1 of 4 stars; one submission).

Conditions:
Galactosylceramide beta-galactosidase deficiency. Also called: Leukodystrophy, Globoid Cell; Krabbe Disease; GALACTOCEREBROSIDASE DEFICIENCY; GALC DEFICIENCY; GLOBOID CELL LEUKOENCEPHALOPATHY. Identifiers: Orphanet 487, MedGen C0023521, MONDO:0009499, OMIM 245200.

Allele frequency attached by ClinVar (database versions not stated): ExAC 0.00003.

Submission:

Labcorp Genetics (formerly Invitae), Labcorp
Classification: Uncertain significance for Galactosylceramide beta-galactosidase deficiency. Last evaluated: 2023-09-05. Review status: criteria provided, single submitter. Criteria: Invitae Variant Classification Sherloc (09022015). Collection method: clinical testing. Allele origin: germline.
Comment: In summary, the available evidence is currently insufficient to determine the role of this variant in disease. Therefore, it has been classified as a Variant of Uncertain Significance. Advanced modeling of protein sequence and biophysical properties (such as structural, functional, and spatial information, amino acid conservation, physicochemical variation, residue mobility, and thermodynamic stability) has been performed at Invitae for this missense variant, however the output from this modeling did not meet the statistical confidence thresholds required to predict the impact of this variant on GALC protein function. This variant has not been reported in the literature in individuals affected with GALC-related conditions. This variant is present in population databases (rs779130461, gnomAD 0.02%). This sequence change replaces methionine, which is neutral and non-polar, with lysine, which is basic and polar, at codon 17 of the GALC protein (p.Met17Lys).

NM_000153.4(GALC):c.50T>A (p.Met17Lys)

Gene: GALC (galactosylceramidase; minus strand). Cytogenetic location: 14q31.3.
Variant type: single nucleotide variant.
Coding change: c.50T>A on transcript NM_000153.4 (MANE Select); coding-DNA position 50, T replaced by A.
Protein change: p.Met17Lys; replaces methionine 17 with lysine.
Molecular consequence: missense variant. On other transcripts: intron variant (2), 5 prime UTR variant (3), non-coding transcript variant (1).
Genome position (GRCh38, 1-based): chr14:87,993,115, A>T on the plus strand (T>A on the coding strand, the complement: GALC is on the minus strand). VCF-style: chr14-87993115-A-T. GRCh37 (hg19) VCF-style: chr14-88459459-A-T.
Other names: c.-473+268T>A (NM_001424076.1); c.117+268T>A (NM_001201402.2); c.50T>A, p.Met17Lys (NM_001201401.2); c.-221T>A (NM_001424072.1); c.-387T>A (NM_001424075.1); c.-618T>A (NM_001424077.1); short protein forms M17K.
Identifiers: ClinVar variation 2956508 (VCV002956508.3), dbSNP rs779130461, ClinGen allele CA7297520.